The following is an entry in ClinVar:

NM_007294.4(BRCA1):c.1823dup (p.Asn609fs)

Gene: BRCA1 (BRCA1 DNA repair associated; minus strand). Cytogenetic location: 17q21.31.
Variant type: Duplication.
Coding change: c.1823dup on transcript NM_007294.4 (MANE Select); coding-DNA position 1823, one base duplicated (A; older notation c.1823dupA).
Protein change: p.Asn609fs; shifts the reading frame from asparagine 609.
Molecular consequence: frameshift variant. On other transcripts: intron variant (137).
Genome position (GRCh38, 1-based): chr17:43,093,708, T duplicated on the plus strand (A on the coding strand, the reverse complement: BRCA1 is on the minus strand); the first of 5 consecutive T bases (chr17:43,093,708-43,093,712); duplicating any one gives the same sequence. VCF-style (leftmost placement, unchanged base first): chr17-43093707-C-CT. GRCh37 (hg19) VCF-style: chr17-41245724-C-CT.
Other names: c.1682dup, p.Asn562fs (NM_001407697.1, NM_001407698.1, NM_001407724.1 and 29 more transcripts); c.1679dup, p.Asn561fs (NM_001407740.1, NM_001407741.1, NM_001407742.1 and 20 more transcripts); c.1610dup, p.Asn538fs (NM_001407853.1, NM_001407571.1, NM_001407894.1 and 9 more transcripts); c.1823dup, p.Asn609fs (NM_001407854.1, NM_001407858.1, NM_001407859.1 and 30 more transcripts); c.1820dup, p.Asn608fs (NM_001407860.1, NM_001407861.1, NM_001407587.1 and 22 more transcripts); c.1622dup, p.Asn542fs (NM_001407862.1); c.1814dup, p.Asn606fs (NM_001407646.1, NM_001407647.1); c.1700dup, p.Asn568fs (NM_001407648.1, NM_001407664.1, NM_001407665.1 and 19 more transcripts); and 41 more; short protein forms N562fs, N609fs, N498fs, N520fs, N567fs, N583fs, N441fs, N481fs.
Identifiers: ClinVar variation 1459329 (VCV001459329.9), dbSNP rs397508911, ClinGen allele CA2573154070.
Genomic context (GRCh38, chr17:43,093,707, plus strand): 5'-ACTGACTACTAGTTCAAGCGCATGAATATGCCTGGTAGAAGACTTCCTCCTCAGCCTATT[C>CT]TTTTTAGGTGCTTTTGAATTGTGGATATTTAATTCGAGTTCCATATTGCTTATACTGCTG-3'

ClinVar aggregate classification (germline): Pathogenic. Review status: criteria provided, multiple submitters, no conflicts (2 of 4 stars). 2 submissions from 2 submitters: Pathogenic (2). Last evaluated 2021-06-23.

Conditions:
Hereditary breast ovarian cancer syndrome. Also called: Hereditary breast and ovarian cancer; Breast and ovarian cancer; BRCA1- and BRCA2-Associated Hereditary Breast and Ovarian Cancer; Hereditary breast and/or ovarian cancer syndrome; Hereditary breast and ovarian cancer syndrome; Hereditary breast and ovarian cancer syndrome (HBOC). Identifiers: Orphanet 145, MedGen C0677776, MeSH D061325, MONDO:0003582. Disease mechanism: loss of function.
Hereditary cancer-predisposing syndrome. Also called: Neoplastic Syndromes, Hereditary; Hereditary Cancer Syndrome; Hereditary neoplastic syndrome; Tumor predisposition. Identifiers: Orphanet 140162, MedGen C0027672, MeSH D009386, MONDO:0015356.

Submissions (2):

Labcorp Genetics (formerly Invitae), Labcorp
Classification: Pathogenic for Hereditary breast ovarian cancer syndrome. Last evaluated: 2021-06-23. Review status: criteria provided, single submitter. Criteria: Invitae Variant Classification Sherloc (09022015). Collection method: clinical testing. Allele origin: germline.
Comment: For these reasons, this variant has been classified as Pathogenic. This variant has not been reported in the literature in individuals with BRCA1-related conditions. This variant is not present in population databases (ExAC no frequency). This sequence change creates a premature translational stop signal (p.Asn609Glufs*2) in the BRCA1 gene. It is expected to result in an absent or disrupted protein product. Loss-of-function variants in BRCA1 are known to be pathogenic (PMID: 20104584).

Ambry Genetics
Classification: Pathogenic for Hereditary cancer-predisposing syndrome. Last evaluated: 2021-05-27. Review status: criteria provided, single submitter. Criteria: Ambry Variant Classification Scheme 2023. Collection method: clinical testing. Allele origin: germline.
Comment: The c.1823dupA pathogenic mutation, located in coding exon 9 of the BRCA1 gene, results from a duplication of A at nucleotide position 1823, causing a translational frameshift with a predicted alternate stop codon (p.N609Efs*2). This alteration is expected to result in loss of function by premature protein truncation or nonsense-mediated mRNA decay. As such, this alteration is interpreted as a disease-causing mutation.

Literature cited by the submitters: PubMed 20104584 (cited by Labcorp Genetics (formerly Invitae), Labcorp).